The following is an entry in ClinVar:

NM_006015.6(ARID1A):c.674C>A (p.Pro225His)

Genes: ARID1A (AT-rich interaction domain 1A; plus strand), LOC129929837 (ATAC-STARR-seq lymphoblastoid silent region 489; plus strand). Cytogenetic location: 1p36.11.
Variant type: single nucleotide variant.
Coding change: c.674C>A on transcript NM_006015.6 (MANE Select); coding-DNA position 674, C replaced by A.
Protein change: p.Pro225His; replaces proline 225 with histidine.
Molecular consequence: missense variant.
Genome position (GRCh38, 1-based): chr1:26,697,077, C>A. VCF-style: chr1-26697077-C-A. GRCh37 (hg19) VCF-style: chr1-27023568-C-A.
Other names: c.674C>A, p.Pro225His (NM_139135.4); short protein forms P225H.
Identifiers: ClinVar variation 3364930 (VCV003364930.1).

ClinVar aggregate classification (germline): Uncertain significance (1 of 4 stars; one submission).

Submission:

GeneDx
Classification: Uncertain significance. Last evaluated: 2023-11-29. Review status: criteria provided, single submitter. Criteria: GeneDx Variant Classification Process June 2021. Collection method: clinical testing. Allele origin: germline. Affected: yes.
Comment: Not observed at significant frequency in large population cohorts (gnomAD); In silico analysis supports that this missense variant does not alter protein structure/function; Has not been previously published as pathogenic or benign to our knowledge